The following is an entry in ClinVar:

ClinVar aggregate classification (germline): Uncertain significance. Review status: criteria provided, multiple submitters, no conflicts (2 of 4 stars). 2 submissions from 2 submitters: Uncertain significance (2). Last evaluated 2024-12-17.

Conditions:
Hereditary cancer-predisposing syndrome. Also called: Neoplastic Syndromes, Hereditary; Hereditary Cancer Syndrome; Tumor predisposition; Hereditary neoplastic syndrome. Identifiers: Orphanet 140162, MedGen C0027672, MeSH D009386, MONDO:0015356.

gnomAD v4.1: 1 of 1,611,616 alleles (0.000062%); highest among the groups gnomAD compares: Non-Finnish European, 0.000085%; no homozygotes.

Submissions (2):

Ambry Genetics
Classification: Uncertain significance for Hereditary cancer-predisposing syndrome. Last evaluated: 2024-12-17. Review status: criteria provided, single submitter. Criteria: Ambry Variant Classification Scheme 2023. Collection method: clinical testing. Allele origin: germline.
Comment: The p.V951F variant (also known as c.2851G>T), located in coding exon 18 of the RAD50 gene, results from a G to T substitution at nucleotide position 2851. The valine at codon 951 is replaced by phenylalanine, an amino acid with highly similar properties. This amino acid position is conserved. In addition, this alteration is predicted to be tolerated by in silico analysis. Based on the available evidence, the clinical significance of this variant remains unclear.

Labcorp Genetics (formerly Invitae), Labcorp
Classification: Uncertain significance for Hereditary cancer-predisposing syndrome. Last evaluated: 2019-03-29. Review status: criteria provided, single submitter. Criteria: Invitae Variant Classification Sherloc (09022015). Collection method: clinical testing. Allele origin: germline.
Comment: In summary, the available evidence is currently insufficient to determine the role of this variant in disease. Therefore, it has been classified as a Variant of Uncertain Significance. Algorithms developed to predict the effect of missense changes on protein structure and function (SIFT, PolyPhen-2, Align-GVGD) all suggest that this variant is likely to be tolerated, but these predictions have not been confirmed by published functional studies and their clinical significance is uncertain. This variant has not been reported in the literature in individuals with RAD50-related disease. This variant is not present in population databases (ExAC no frequency). This sequence change replaces valine with phenylalanine at codon 951 of the RAD50 protein (p.Val951Phe). The valine residue is moderately conserved and there is a small physicochemical difference between valine and phenylalanine.

NM_005732.4(RAD50):c.2851G>T (p.Val951Phe)

Gene: RAD50 (RAD50 double strand break repair protein; plus strand). Cytogenetic location: 5q31.1.
Variant type: single nucleotide variant.
Coding change: c.2851G>T on transcript NM_005732.4 (MANE Select); coding-DNA position 2851, G replaced by T.
Protein change: p.Val951Phe; replaces valine 951 with phenylalanine.
Molecular consequence: missense variant.
Genome position (GRCh38, 1-based): chr5:132,609,138, G>T. VCF-style: chr5-132609138-G-T. GRCh37 (hg19) VCF-style: chr5-131944830-G-T.
Other names: short protein forms V951F.
Identifiers: ClinVar variation 852693 (VCV000852693.11), dbSNP rs1257399328, ClinGen allele CA360959484.